The following is an entry in ClinVar:

ClinVar aggregate classification (germline): Conflicting classifications of pathogenicity. Review status: criteria provided, conflicting classifications (1 of 4 stars). 8 submissions from 7 submitters: Uncertain significance (1); Benign (2); Likely benign (5). Last evaluated 2025-10-29.

Conditions:
NPHP4-related disorder. Also called: NPHP4-related condition; NPHP4-related disorders. Identifiers: MedGen CN239384.
Nephronophthisis. Also called: Juvenile Nephronophthisis. Identifiers: Orphanet 655, MedGen C0687120, MONDO:0019005, HP:0000090.
Nephronophthisis 4 (NPHP4). Also called: NEPHRONOPHTHISIS 4, JUVENILE. Identifiers: Orphanet 655, MedGen C1847013, MONDO:0011752, OMIM 606966.
Senior-Loken syndrome 4 (SLSN4). Identifiers: Orphanet 3156, MedGen C1846979, MONDO:0011756, OMIM 606996.

Allele frequency attached by ClinVar (database versions not stated): ESP Exome Variant Server 0.00008; gnomAD exomes 0.00012 and 0.00058; gnomAD 0.00015 and 0.00017; TOPMed 0.00032; ExAC 0.00062.
gnomAD v4.1: 203 of 1,604,624 alleles (0.013%); highest among the groups gnomAD compares: Admixed American, 0.27%; 1 homozygote.

Submissions (8):

Labcorp Genetics (formerly Invitae), Labcorp
Classification: Likely benign for Nephronophthisis. Last evaluated: 2025-10-29. Review status: criteria provided, single submitter. Criteria: Invitae Variant Classification Sherloc (09022015). Collection method: clinical testing. Allele origin: germline.

PreventionGenetics, part of Exact Sciences
Classification: Likely benign for NPHP4-related condition. Last evaluated: 2025-01-10. Review status: criteria provided, single submitter. Criteria: ACMG Guidelines, 2015. Collection method: clinical testing. Allele origin: germline.
Comment: This variant is classified as likely benign based on ACMG/AMP sequence variant interpretation guidelines (Richards et al. 2015 PMID: 25741868, with internal and published modifications).

Mayo Clinic Laboratories, Mayo Clinic
Classification: Likely benign. Last evaluated: 2024-09-30. Review status: criteria provided, single submitter. Criteria: ACMG Guidelines, 2015. Collection method: clinical testing. Allele origin: germline. Observed: 1 variant allele.
Comment: BS1, BS2

Blueprint Genetics
Classification: Benign. Last evaluated: 2024-05-06. Review status: criteria provided, single submitter. Criteria: ACMG Guidelines, 2015. Collection method: clinical testing. Allele origin: germline.

Genetic Services Laboratory, University of Chicago
Classification: Uncertain significance. Last evaluated: 2023-01-05. Review status: criteria provided, single submitter. Criteria: ACMG Guidelines, 2015. Collection method: clinical testing. Allele origin: germline. Affected: no.
Comment: DNA sequence analysis of the NPHP4 gene demonstrated a sequence change, c.2716C>T, in exon 20 that results in an amino acid change, p.Arg906Cys. This sequence change has been described in the gnomAD database with a frequency of 0.38% in the Latino subpopulation (dbSNP rs199992272). The p.Arg906Cys change affects a poorly conserved amino acid residue located in a domain of the NPHP4 protein that is not known to be functional. In-silico pathogenicity prediction tools (SIFT, PolyPhen2, Align GVGD, REVEL) provide contradictory results for the p.Arg906Cys substitution. This sequence change does not appear to have been previously described in individuals with NPHP4-related nephronophthisis. Due to insufficient evidence and the lack of functional studies, the clinical significance of the p.Arg906Cys change remains unknown at this time.

Eurofins Ntd Llc (ga)
Classification: Likely benign. Last evaluated: 2017-06-23. Review status: criteria provided, single submitter. Criteria: EGL Classification Definitions 2015. Collection method: clinical testing. Allele origin: germline. Observed: 1 variant allele, 1 heterozygote.

Illumina Laboratory Services, Illumina
Classification: Benign for Nephronophthisis 4. Last evaluated: 2017-04-28. Review status: criteria provided, single submitter. Criteria: ICSL Variant Classification Criteria 13 December 2019. Collection method: clinical testing. Allele origin: germline.
Comment: This variant was observed as part of a predisposition screen in an ostensibly healthy population. A literature search was performed for the gene, cDNA change, and amino acid change (where applicable). No publications were found based on this search. Allele frequency data from public databases was too high to be consistent with this variant causing disease. Therefore, this variant is classified as benign.

Illumina Laboratory Services, Illumina
Classification: Likely benign for Senior-Loken syndrome 4. Last evaluated: 2017-04-28. Review status: criteria provided, single submitter. Criteria: ICSL Variant Classification Criteria 13 December 2019. Collection method: clinical testing. Allele origin: germline.
Comment: This variant was observed as part of a predisposition screen in an ostensibly healthy population. A literature search was performed for the gene, cDNA change, and amino acid change (where applicable). No publications were found based on this search. Allele frequency data from public databases allowed determination this variant is unlikely to cause disease. Therefore, this variant is classified as likely benign.

NM_015102.5(NPHP4):c.2716C>T (p.Arg906Cys)

Gene: NPHP4 (nephrocystin 4; minus strand). Cytogenetic location: 1p36.31.
Variant type: single nucleotide variant.
Coding change: c.2716C>T on transcript NM_015102.5 (MANE Select); coding-DNA position 2716, C replaced by T.
Protein change: p.Arg906Cys; replaces arginine 906 with cysteine.
Molecular consequence: missense variant. On other transcripts: non-coding transcript variant (1).
Genome position (GRCh38, 1-based): chr1:5,877,194, G>A on the plus strand (C>T on the coding strand, the complement: NPHP4 is on the minus strand). VCF-style: chr1-5877194-G-A. GRCh37 (hg19) VCF-style: chr1-5937254-G-A.
Other names: p.Arg906Cys; c.2716C>T (NM_015102.4); c.1177C>T, p.Arg393Cys (NM_001291593.2); c.1180C>T, p.Arg394Cys (NM_001291594.2); short protein forms R906C, R393C, R394C.
Identifiers: ClinVar variation 502685 (VCV000502685.22), dbSNP rs199992272, ClinGen allele CA553960.